The following is an entry in ClinVar:

ClinVar aggregate classification (germline): Uncertain significance (1 of 4 stars; one submission).

Allele frequency attached by ClinVar (database versions not stated): gnomAD exomes below 0.00001; gnomAD 0.00001; TOPMed 0.00001.
gnomAD v4.1: 5 of 1,614,078 alleles (0.00031%); highest among the groups gnomAD compares: Admixed American, 0.0033%; no homozygotes.

Submission:

Labcorp Genetics (formerly Invitae), Labcorp
Classification: Uncertain significance. Last evaluated: 2022-07-21. Review status: criteria provided, single submitter. Criteria: Invitae Variant Classification Sherloc (09022015). Collection method: clinical testing. Allele origin: germline.
Comment: This variant is present in population databases (no rsID available, gnomAD 0.0009%). This sequence change replaces arginine, which is basic and polar, with cysteine, which is neutral and slightly polar, at codon 798 of the AGBL5 protein (p.Arg798Cys). ClinVar contains an entry for this variant (Variation ID: 960671). In summary, the available evidence is currently insufficient to determine the role of this variant in disease. Therefore, it has been classified as a Variant of Uncertain Significance. Algorithms developed to predict the effect of missense changes on protein structure and function output the following: SIFT: "Tolerated"; PolyPhen-2: "Benign"; Align-GVGD: "Class C0". The cysteine amino acid residue is found in multiple mammalian species, which suggests that this missense change does not adversely affect protein function. This variant has not been reported in the literature in individuals affected with AGBL5-related conditions.

NM_021831.6(AGBL5):c.2392C>T (p.Arg798Cys)

Gene: AGBL5 (AGBL carboxypeptidase 5; plus strand). Cytogenetic location: 2p23.3.
Variant type: single nucleotide variant.
Coding change: c.2392C>T on transcript NM_021831.6 (MANE Select); coding-DNA position 2392, C replaced by T.
Protein change: p.Arg798Cys; replaces arginine 798 with cysteine.
Molecular consequence: missense variant. On other transcripts: non-coding transcript variant (2).
Genome position (GRCh38, 1-based): chr2:27,069,609, C>T. VCF-style: chr2-27069609-C-T. GRCh37 (hg19) VCF-style: chr2-27292477-C-T.
Other names: short protein forms R798C.
Identifiers: ClinVar variation 960671 (VCV000960671.9), dbSNP rs1269161861, ClinGen allele CA346142005.